The following is an entry in ClinVar:

ClinVar aggregate classification (germline): Likely benign. Review status: criteria provided, multiple submitters, no conflicts (2 of 4 stars). 3 submissions from 3 submitters: Likely benign (3). Last evaluated 2026-01-26.

Conditions:
PHYH-related disorder. Also called: PHYH-related condition.

Allele frequency attached by ClinVar (database versions not stated): gnomAD 0.00013; ExAC 0.00014; ESP Exome Variant Server 0.00015; gnomAD exomes 0.00015; TOPMed 0.00018.

Submissions (3):

Labcorp Genetics (formerly Invitae), Labcorp
Classification: Likely benign. Last evaluated: 2026-01-26. Review status: criteria provided, single submitter. Criteria: Invitae Variant Classification Sherloc (09022015). Collection method: clinical testing. Allele origin: germline.

PreventionGenetics, part of Exact Sciences
Classification: Likely benign for PHYH-related condition. Last evaluated: 2025-03-26. Review status: criteria provided, single submitter. Criteria: ACMG Guidelines, 2015. Collection method: clinical testing. Allele origin: germline.
Comment: This variant is classified as likely benign based on ACMG/AMP sequence variant interpretation guidelines (Richards et al. 2015 PMID: 25741868, with internal and published modifications).

Blueprint Genetics
Classification: Likely benign. Last evaluated: 2024-10-16. Review status: criteria provided, single submitter. Criteria: ACMG Guidelines, 2015. Collection method: clinical testing. Allele origin: germline.

NM_006214.4(PHYH):c.357G>A (p.Thr119=)

Gene: PHYH (phytanoyl-CoA 2-hydroxylase; minus strand). Cytogenetic location: 10p13.
Variant type: single nucleotide variant.
Coding change: c.357G>A on transcript NM_006214.4 (MANE Select); coding-DNA position 357, G replaced by A.
Protein change: p.Thr119=; no amino-acid change (threonine 119 retained).
Molecular consequence: synonymous variant.
Genome position (GRCh38, 1-based): chr10:13,294,485, C>T on the plus strand (G>A on the coding strand, the complement: PHYH is on the minus strand). VCF-style: chr10-13294485-C-T. GRCh37 (hg19) VCF-style: chr10-13336485-C-T.
Other names: c.357G>A (NM_006214.3); c.57G>A, p.Thr19= (NM_001037537.2, NM_001323080.2, NM_001323084.2); c.357G>A, p.Thr119= (NM_001323082.2, NM_001323083.2).
Identifiers: ClinVar variation 1160783 (VCV001160783.11), dbSNP rs145263836, ClinGen allele CA5412401.